The following is an entry in ClinVar:

ClinVar aggregate classification (germline): Conflicting classifications of pathogenicity. Review status: criteria provided, conflicting classifications (1 of 4 stars). 3 submissions from 3 submitters: Uncertain significance (1); Likely benign (2). Last evaluated 2025-05-01.

Conditions:
Hereditary cancer-predisposing syndrome. Also called: Neoplastic Syndromes, Hereditary; Hereditary neoplastic syndrome; Hereditary Cancer Syndrome; Tumor predisposition. Identifiers: Orphanet 140162, MedGen C0027672, MeSH D009386, MONDO:0015356.
Breast-ovarian cancer, familial, susceptibility to, 1 (BROVCA1). Also called: BRCA1 Hereditary Breast and Ovarian Cancer; OVARIAN CANCER, SUSCEPTIBILITY TO. Identifiers: Orphanet 145, MedGen C2676676, MONDO:0011450, OMIM 604370. Disease mechanism: loss of function.
Hereditary breast ovarian cancer syndrome. Also called: Hereditary breast and ovarian cancer syndrome; Breast and ovarian cancer; Hereditary breast and ovarian cancer syndrome (HBOC); Hereditary breast and/or ovarian cancer syndrome; BRCA1- and BRCA2-Associated Hereditary Breast and Ovarian Cancer; Hereditary breast and ovarian cancer. Identifiers: Orphanet 145, MedGen C0677776, MeSH D061325, MONDO:0003582. Disease mechanism: loss of function.

Submissions (3):

Molecular Pathology, Peter Maccallum Cancer Centre
Classification: Likely benign for Breast-ovarian cancer, familial, susceptibility to, 1. Last evaluated: 2025-05-01. Review status: criteria provided, single submitter. Criteria: ACMG Guidelines, 2015. Collection method: clinical testing. Allele origin: germline. Inheritance: Autosomal dominant inheritance.

University of Washington Department of Laboratory Medicine, University of Washington
Classification: Likely benign for Hereditary cancer-predisposing syndrome. Last evaluated: 2023-03-23. Review status: criteria provided, single submitter. Criteria: Dines et al. (Genet Med. 2020). Collection method: curation. Allele origin: germline.
Comment: Missense variant in a coldspot region where missense variants are very unlikely to be pathogenic (PMID:31911673).

BRCA1 coldspot (exon 11 using historical exon numbering). Reclassification based on statistical prior probability

Labcorp Genetics (formerly Invitae), Labcorp
Classification: Uncertain significance for Hereditary breast ovarian cancer syndrome. Last evaluated: 2022-03-26. Review status: criteria provided, single submitter. Criteria: Invitae Variant Classification Sherloc (09022015). Collection method: clinical testing. Allele origin: germline.
Comment: In summary, the available evidence is currently insufficient to determine the role of this variant in disease. Therefore, it has been classified as a Variant of Uncertain Significance. Advanced modeling of protein sequence and biophysical properties (such as structural, functional, and spatial information, amino acid conservation, physicochemical variation, residue mobility, and thermodynamic stability) performed at Invitae indicates that this missense variant is not expected to disrupt BRCA1 protein function. ClinVar contains an entry for this variant (Variation ID: 409296). This variant has not been reported in the literature in individuals affected with BRCA1-related conditions. This variant is not present in population databases (gnomAD no frequency). This sequence change replaces histidine, which is basic and polar, with aspartic acid, which is acidic and polar, at codon 1195 of the BRCA1 protein (p.His1195Asp).

NM_007294.4(BRCA1):c.3583C>G (p.His1195Asp)

Genes: BRCA1 (BRCA1 DNA repair associated; minus strand), LOC126862571 (BRD4-independent group 4 enhancer GRCh37_chr17:41243136-41244335; plus strand). Cytogenetic location: 17q21.31.
Variant type: single nucleotide variant.
Coding change: c.3583C>G on transcript NM_007294.4 (MANE Select); coding-DNA position 3583, C replaced by G.
Protein change: p.His1195Asp; replaces histidine 1195 with aspartic acid.
Molecular consequence: missense variant. On other transcripts: intron variant (135).
Genome position (GRCh38, 1-based): chr17:43,091,948, G>C on the plus strand (C>G on the coding strand, the complement: BRCA1 is on the minus strand). VCF-style: chr17-43091948-G-C. GRCh37 (hg19) VCF-style: chr17-41243965-G-C.
Other names: c.3370C>G, p.His1124Asp (NM_001407571.1, NM_001407853.1, NM_001407894.1 and 9 more transcripts); c.3583C>G, p.His1195Asp (NM_001407581.1, NM_001407582.1, NM_001407583.1 and 30 more transcripts); c.3580C>G, p.His1194Asp (NM_001407587.1, NM_001407590.1, NM_001407591.1 and 22 more transcripts); c.3574C>G, p.His1192Asp (NM_001407646.1, NM_001407647.1); c.3460C>G, p.His1154Asp (NM_001407648.1, NM_001407664.1, NM_001407665.1 and 19 more transcripts); c.3457C>G, p.His1153Asp (NM_001407649.1, NM_001407670.1, NM_001407671.1 and 11 more transcripts); c.3505C>G, p.His1169Asp (NM_001407653.1, NM_001407654.1, NM_001407655.1 and 4 more transcripts); c.3502C>G, p.His1168Asp (NM_001407659.1, NM_001407660.1, NM_001407661.1 and 1 more transcripts); and 41 more; short protein forms H1195D, H1148D, H1084D, H1106D, H1127D, H1128D, H1147D, H1192D.
Identifiers: ClinVar variation 409296 (VCV000409296.13), dbSNP rs876659903, ClinGen allele CA10594797.